The following is an entry in ClinVar:

NM_000038.6(APC):c.476del (p.Tyr159fs)

Gene: APC (APC regulator of Wnt signaling pathway; plus strand). Cytogenetic location: 5q22.2.
Variant type: Deletion.
Coding change: c.476del on transcript NM_000038.6 (MANE Select); coding-DNA position 476, one base deleted (A; older notation c.476delA).
Protein change: p.Tyr159fs; shifts the reading frame from tyrosine 159.
Molecular consequence: frameshift variant. On other transcripts: 5 prime UTR variant (4), non-coding transcript variant (2).
Genome position (GRCh38, 1-based): chr5:112,775,682, A deleted. VCF-style (leftmost placement, unchanged base first): chr5-112775681-TA-T. GRCh37 (hg19) VCF-style: chr5-112111378-TA-T.
Other names: c.476del, p.Tyr159fs (NM_001127510.3, NM_001354895.2, NM_001354896.2 and 16 more transcripts); c.506del, p.Tyr169fs (NM_001127511.3, NM_001354897.2, NM_001354902.2 and 1 more transcripts); c.401del, p.Tyr134fs (NM_001354898.2, NM_001354904.2, NM_001407451.1); c.299del, p.Tyr100fs (NM_001354900.2, NM_001354901.2, NM_001354905.2 and 1 more transcripts); c.-560del (NM_001354906.2, NM_001407470.1, NM_001407471.1 and 1 more transcripts); short protein forms Y100fs, Y134fs, Y159fs, Y169fs.
Identifiers: ClinVar variation 2584188 (VCV002584188.1), dbSNP rs2532413834, ClinGen allele CA2582341353.

ClinVar aggregate classification (germline): Pathogenic (1 of 4 stars; one submission).

Conditions:
Familial adenomatous polyposis 1 (FAP1). Also called: FAMILIAL ADENOMATOUS POLYPOSIS 1, ATTENUATED; POLYPOSIS, ADENOMATOUS INTESTINAL. Identifiers: MedGen C2713442, MONDO:0021056, OMIM 175100. Disease mechanism: loss of function.

Submission:

Myriad Genetics, Inc.
Classification: Pathogenic for Familial adenomatous polyposis 1. Last evaluated: 2023-04-26. Review status: criteria provided, single submitter. Criteria: Myriad Autosomal Dominant, Autosomal Recessive and X-Linked Classification Criteria (2023). Collection method: clinical testing. Allele origin: unknown.
Comment: This variant is considered pathogenic. This variant creates a frameshift predicted to result in premature protein truncation.